The following is an entry in ClinVar:

NM_000038.6(APC):c.7132C>T (p.Leu2378Phe)

Gene: APC (APC regulator of Wnt signaling pathway; plus strand). Cytogenetic location: 5q22.2.
Variant type: single nucleotide variant.
Coding change: c.7132C>T on transcript NM_000038.6 (MANE Select); coding-DNA position 7132, C replaced by T.
Protein change: p.Leu2378Phe; replaces leucine 2378 with phenylalanine.
Molecular consequence: missense variant.
Genome position (GRCh38, 1-based): chr5:112,842,726, C>T. VCF-style: chr5-112842726-C-T. GRCh37 (hg19) VCF-style: chr5-112178423-C-T.
Other names: c.7132C>T, p.Leu2378Phe (NM_001127510.3, NM_001354895.2, NM_001407450.1); c.7078C>T, p.Leu2360Phe (NM_001127511.3); c.7186C>T, p.Leu2396Phe (NM_001354896.2, NM_001407447.1, NM_001407448.1 and 1 more transcripts); c.7162C>T, p.Leu2388Phe (NM_001354897.2); c.7057C>T, p.Leu2353Phe (NM_001354898.2); c.7048C>T, p.Leu2350Phe (NM_001354899.2); c.7009C>T, p.Leu2337Phe (NM_001354900.2); c.6955C>T, p.Leu2319Phe (NM_001354901.2, NM_001407453.1); and 11 more; short protein forms L2249F, L2252F, L2287F, L2368F, L2371F, L2218F, L2295F, L2388F.
Identifiers: ClinVar variation 2178990 (VCV002178990.4), dbSNP rs587782711, ClinGen allele CA16036866.

ClinVar aggregate classification (germline): Uncertain significance (1 of 4 stars; one submission).

Conditions:
Familial adenomatous polyposis 1 (FAP1). Also called: POLYPOSIS, ADENOMATOUS INTESTINAL; FAMILIAL ADENOMATOUS POLYPOSIS 1, ATTENUATED. Identifiers: MedGen C2713442, MONDO:0021056, OMIM 175100. Disease mechanism: loss of function.

gnomAD v4.1: 1 of 1,613,954 alleles (0.000062%); highest among the groups gnomAD compares: Non-Finnish European, 0.000085%; no homozygotes.

Submission:

Labcorp Genetics (formerly Invitae), Labcorp
Classification: Uncertain significance for Familial adenomatous polyposis 1. Last evaluated: 2023-12-25. Review status: criteria provided, single submitter. Criteria: Invitae Variant Classification Sherloc (09022015). Collection method: clinical testing. Allele origin: germline.
Comment: This sequence change replaces leucine, which is neutral and non-polar, with phenylalanine, which is neutral and non-polar, at codon 2378 of the APC protein (p.Leu2378Phe). This variant is not present in population databases (gnomAD no frequency). This variant has not been reported in the literature in individuals affected with APC-related conditions. ClinVar contains an entry for this variant (Variation ID: 2178990). Advanced modeling of protein sequence and biophysical properties (such as structural, functional, and spatial information, amino acid conservation, physicochemical variation, residue mobility, and thermodynamic stability) performed at Invitae indicates that this missense variant is not expected to disrupt APC protein function with a negative predictive value of 95%. In summary, the available evidence is currently insufficient to determine the role of this variant in disease. Therefore, it has been classified as a Variant of Uncertain Significance.